The following is an entry in ClinVar:

NM_001254.4(CDC6):c.838G>A (p.Val280Met)

Gene: CDC6 (cell division cycle 6; plus strand). Cytogenetic location: 17q21.2.
Variant type: single nucleotide variant.
Coding change: c.838G>A on transcript NM_001254.4 (MANE Select); coding-DNA position 838, G replaced by A.
Protein change: p.Val280Met; replaces valine 280 with methionine.
Molecular consequence: missense variant.
Genome position (GRCh38, 1-based): chr17:40,293,951, G>A. VCF-style: chr17-40293951-G-A. GRCh37 (hg19) VCF-style: chr17-38450203-G-A.
Other names: c.838G>A (NM_001254.3); short protein forms V280M.
Identifiers: ClinVar variation 1371657 (VCV001371657.7), dbSNP rs766877771, ClinGen allele CA8541985.

ClinVar aggregate classification (germline): Uncertain significance. Review status: criteria provided, multiple submitters, no conflicts (2 of 4 stars). 2 submissions from 2 submitters: Uncertain significance (2). Last evaluated 2024-10-29.

Allele frequency attached by ClinVar (database versions not stated): ExAC 0.00001; gnomAD 0.00001; gnomAD exomes 0.00001 and 0.00002; TOPMed 0.00001.

Submissions (2):

Labcorp Genetics (formerly Invitae), Labcorp
Classification: Uncertain significance. Last evaluated: 2024-10-29. Review status: criteria provided, single submitter. Criteria: Invitae Variant Classification Sherloc (09022015). Collection method: clinical testing. Allele origin: germline.
Comment: This sequence change replaces valine, which is neutral and non-polar, with methionine, which is neutral and non-polar, at codon 280 of the CDC6 protein (p.Val280Met). This variant is present in population databases (rs766877771, gnomAD 0.009%). This variant has not been reported in the literature in individuals affected with CDC6-related conditions. ClinVar contains an entry for this variant (Variation ID: 1371657). An algorithm developed to predict the effect of missense changes on protein structure and function (PolyPhen-2) suggests that this variant is likely to be disruptive. In summary, the available evidence is currently insufficient to determine the role of this variant in disease. Therefore, it has been classified as a Variant of Uncertain Significance.

Ambry Genetics
Classification: Uncertain significance. Last evaluated: 2024-07-31. Review status: criteria provided, single submitter. Criteria: Ambry Variant Classification Scheme 2023. Collection method: clinical testing. Allele origin: germline.